The following is an entry in ClinVar:

ClinVar aggregate classification (germline): Uncertain significance (1 of 4 stars; one submission).

Conditions:
Atrial fibrillation, familial, 6 (ATFB6). Identifiers: MedGen C2677294, MONDO:0012816, OMIM 612201.

Submission:

Labcorp Genetics (formerly Invitae), Labcorp
Classification: Uncertain significance for Atrial fibrillation, familial, 6. Last evaluated: 2022-03-05. Review status: criteria provided, single submitter. Criteria: Invitae Variant Classification Sherloc (09022015). Collection method: clinical testing. Allele origin: germline.
Comment: In summary, the available evidence is currently insufficient to determine the role of this variant in disease. Therefore, it has been classified as a Variant of Uncertain Significance. Algorithms developed to predict the effect of missense changes on protein structure and function are either unavailable or do not agree on the potential impact of this missense change (SIFT: "Deleterious"; PolyPhen-2: "Benign"; Align-GVGD: "Class C65"). This variant has not been reported in the literature in individuals affected with NPPA-related conditions. This variant is not present in population databases (gnomAD no frequency). This sequence change replaces leucine, which is neutral and non-polar, with proline, which is neutral and non-polar, at codon 110 of the NPPA protein (p.Leu110Pro).

NM_006172.4(NPPA):c.329T>C (p.Leu110Pro)

Genes: NPPA (natriuretic peptide A; minus strand), NPPA-AS1 (NPPA antisense RNA 1; plus strand), LOC114827827 (VISTA enhancer hs2123; plus strand). Cytogenetic location: 1p36.22.
Variant type: single nucleotide variant.
Coding change: c.329T>C on transcript NM_006172.4 (MANE Select); coding-DNA position 329, T replaced by C.
Protein change: p.Leu110Pro; replaces leucine 110 with proline.
Molecular consequence: missense variant.
Genome position (GRCh38, 1-based): chr1:11,847,234, A>G on the plus strand (T>C on the coding strand, the complement: NPPA is on the minus strand). VCF-style: chr1-11847234-A-G. GRCh37 (hg19) VCF-style: chr1-11907291-A-G.
Other names: short protein forms L110P.
Identifiers: ClinVar variation 2107024 (VCV002107024.4), dbSNP rs2523210955, ClinGen allele CA338449836.
Genomic context (GRCh38, chr1:11,847,234, plus strand): 5'-CAGCTGGATCTCCGCAGGCTCCGAGGGGCAGTGAGCAGCGCCCTCAGCTTGCTTTTTAGG[A>G]GGGCAGATCGATCAGAGGAGTCCCAGGGGCCCCGCCCGAGGGCACCTCCATCTCTCTGGG-3'
Protein context (NP_006163.1, residues 100-120): GPWDSSDRSA[Leu110Pro]LKSKLRALLT